The following is an entry in ClinVar:

ClinVar aggregate classification (germline): Uncertain significance (1 of 4 stars; one submission).

Conditions:
MC4R-related disorder. Also called: MC4R-related condition.

gnomAD v4.1: 25 of 1,613,970 alleles (0.0015%); highest among the groups gnomAD compares: Middle Eastern, 0.016%; no homozygotes.

Submission:

PreventionGenetics, part of Exact Sciences
Classification: Uncertain significance for MC4R-related condition. Last evaluated: 2026-06-03. Review status: criteria provided, single submitter. Criteria: ACMG Guidelines, 2015. Collection method: clinical testing. Allele origin: germline.
Comment: The MC4R c.533C>T variant is predicted to result in the amino acid substitution p.Thr178Met. This variant has been reported in both obese and normal-weight individuals (Hinney et al. 2003. PubMed ID: 12970296; Mühlhaus et al. 2012. PubMed ID: 22688572). Functional studies of this variant have been inconclusive (Xiang et al. 2006. PubMed ID: 16752916; Huang et al. 2020. PubMed ID: 32363922). This variant is reported in 0.0087% of alleles in individuals of Latino descent in gnomAD. At this time, the clinical significance of this variant is uncertain due to the absence of conclusive functional and genetic evidence.

NM_005912.3(MC4R):c.533C>T (p.Thr178Met)

Gene: MC4R (melanocortin 4 receptor; minus strand). Cytogenetic location: 18q21.32.
Variant type: single nucleotide variant.
Coding change: c.533C>T on transcript NM_005912.3 (MANE Select); coding-DNA position 533, C replaced by T.
Protein change: p.Thr178Met; replaces threonine 178 with methionine.
Molecular consequence: missense variant.
Genome position (GRCh38, 1-based): chr18:60,371,817, G>A on the plus strand (C>T on the coding strand, the complement: MC4R is on the minus strand). VCF-style: chr18-60371817-G-A. GRCh37 (hg19) VCF-style: chr18-58039050-G-A.
Other names: short protein forms T178M.
Identifiers: ClinVar variation 4977149 (VCV004977149.1).